The following is an entry in ClinVar:

NM_001378778.1(MPDZ):c.1354G>T (p.Gly452Ter)

Gene: MPDZ (multiple PDZ domain crumbs cell polarity complex component; minus strand). Cytogenetic location: 9p23.
Variant type: single nucleotide variant.
Coding change: c.1354G>T on transcript NM_001378778.1 (MANE Select); coding-DNA position 1354, G replaced by T.
Protein change: p.Gly452Ter; replaces glycine 452 with a stop codon.
Molecular consequence: nonsense.
Genome position (GRCh38, 1-based): chr9:13,206,036, C>A on the plus strand (G>T on the coding strand, the complement: MPDZ is on the minus strand). VCF-style: chr9-13206036-C-A. GRCh37 (hg19) VCF-style: chr9-13206035-C-A.
Other names: c.1354G>T, p.Gly452Ter (NM_001261406.2, NM_001261407.2, NM_001330637.2 and 14 more transcripts); short protein forms G452*.
Identifiers: ClinVar variation 3773768 (VCV003773768.1).

ClinVar aggregate classification (germline): Pathogenic (1 of 4 stars; one submission).

Conditions:
Hydrocephalus, nonsyndromic, autosomal recessive 2. Also called: Hydrocephalus, congenital, 2, with or without brain or eye anomalies. Identifiers: Orphanet 2185, MedGen C3554691, MONDO:0014085, OMIM 615219.

Submission:

Molecular Genetics, Royal Melbourne Hospital
Classification: Pathogenic for Hydrocephalus, nonsyndromic, autosomal recessive 2. Last evaluated: 2024-09-08. Review status: criteria provided, single submitter. Criteria: ACMG Guidelines, 2015. Collection method: clinical testing. Allele origin: germline. Inheritance: Autosomal recessive inheritance. Affected: yes.
Comment: This sequence change in MPDZ is a nonsense variant predicted to create a premature stop codon, p.(Gly452*), in biologically relevant exon 11/47 leading to nonsense-mediated decay in a gene in which loss-of-function is an established disease mechanism (PMID: 23240096, 29026089, 28556411, 36594712). Loss-of-function variants are a well-established cause of disease in exon 11 (ClinVar). This variant is absent from the population database gnomAD v4.1. To our knowledge, this variant is novel and has not been previously reported in the relevant scientific literature or databases. Based on the classification scheme RMH Modified ACMG/AMP Guidelines v1.7.0, this variant is classified as PATHOGENIC. Following criteria are met: PVS1, PM2_Supporting, PM5_Supporting.

Literature cited by the submitters: PubMed 23240096; PubMed 28556411; PubMed 29026089; PubMed 36594712.